The following is an entry in ClinVar:

NM_144670.6(A2ML1):c.1163A>G (p.Asn388Ser)

Gene: A2ML1 (alpha-2-macroglobulin like 1; plus strand). Cytogenetic location: 12p13.31.
Variant type: single nucleotide variant.
Coding change: c.1163A>G on transcript NM_144670.6 (MANE Select); coding-DNA position 1163, A replaced by G.
Protein change: p.Asn388Ser; replaces asparagine 388 with serine.
Molecular consequence: missense variant.
Genome position (GRCh38, 1-based): chr12:8,841,451, A>G. VCF-style: chr12-8841451-A-G. GRCh37 (hg19) VCF-style: chr12-8994047-A-G.
Other names: short protein forms N388S.
Identifiers: ClinVar variation 1737456 (VCV001737456.2), dbSNP rs757455501, ClinGen allele CA6435555.
Genomic context (GRCh38, chr12:8,841,451, plus strand): 5'-ACTCCTTCCTCAAGAACCATCTAGTGTTTCTGGTGATTTATGGCACAAATGGAACCTTCA[A>G]CCAGACCCTGGTTACTGATAACAATGGCCTAGCTCCCTTTACCTTGGAGACATCCGGTTG-3'
Protein context (NP_653271.3, residues 378-398): LVIYGTNGTF[Asn388Ser]QTLVTDNNGL

ClinVar aggregate classification (germline): Uncertain significance (1 of 4 stars; one submission).

Allele frequency attached by ClinVar (database versions not stated): ExAC 0.00001.
gnomAD v4.1: 5 of 1,614,126 alleles (0.00031%); highest among the groups gnomAD compares: Non-Finnish European, 0.00042%; no homozygotes.

Submission:

Ambry Genetics
Classification: Uncertain significance. Last evaluated: 2022-10-14. Review status: criteria provided, single submitter. Criteria: Ambry Variant Classification Scheme 2023. Collection method: clinical testing. Allele origin: germline.
Comment: The p.N388S variant (also known as c.1163A>G), located in coding exon 11 of the A2ML1 gene, results from an A to G substitution at nucleotide position 1163. The asparagine at codon 388 is replaced by serine, an amino acid with highly similar properties. This amino acid position is conserved. In addition, this alteration is predicted to be tolerated by in silico analysis. Since supporting evidence is limited at this time, the clinical significance of this alteration remains unclear.